The following is an entry in ClinVar:

ClinVar aggregate classification (germline): Uncertain significance (1 of 4 stars; one submission).

Submission:

GeneDx
Classification: Uncertain significance. Last evaluated: 2024-10-30. Review status: criteria provided, single submitter. Criteria: GeneDx Variant Classification Process June 2021. Collection method: clinical testing. Allele origin: germline. Affected: yes.
Comment: Not observed at significant frequency in large population cohorts (gnomAD); Missense variants in this gene are a common cause of disease and they are underrepresented in the general population; In silico analysis indicates that this missense variant does not alter protein structure/function; Has not been previously published as pathogenic or benign to our knowledge

NM_006790.3(MYOT):c.376G>A (p.Gly126Ser)

Genes: MYOT (myotilin; plus strand), PKD2L2-DT (PKD2L2 divergent transcript; minus strand). Cytogenetic location: 5q31.2.
Variant type: single nucleotide variant.
Coding change: c.376G>A on transcript NM_006790.3 (MANE Select); coding-DNA position 376, G replaced by A.
Protein change: p.Gly126Ser; replaces glycine 126 with serine.
Molecular consequence: missense variant. On other transcripts: 5 prime UTR variant (1).
Genome position (GRCh38, 1-based): chr5:137,875,848, G>A. VCF-style: chr5-137875848-G-A. GRCh37 (hg19) VCF-style: chr5-137211537-G-A.
Other names: c.-177G>A (NM_001135940.2); c.31G>A, p.Gly11Ser (NM_001300911.2); short protein forms G11S, G126S.
Identifiers: ClinVar variation 3897476 (VCV003897476.1).